The following is an entry in ClinVar:

ClinVar aggregate classification (germline): Uncertain significance (1 of 4 stars; one submission).

Conditions:
Charcot-Marie-Tooth disease type 2R. Also called: CHARCOT-MARIE-TOOTH DISEASE, AXONAL, AUTOSOMAL RECESSIVE, TYPE 2R; Charcot-Marie-Tooth disease, axonal, type 2R; CHARCOT-MARIE-TOOTH NEUROPATHY, TYPE 2R. Identifiers: Orphanet 397968, MedGen C3809655, MONDO:0014208, OMIM 615490.

Submission:

Labcorp Genetics (formerly Invitae), Labcorp
Classification: Uncertain significance for Charcot-Marie-Tooth disease type 2R. Last evaluated: 2020-05-13. Review status: criteria provided, single submitter. Criteria: Invitae Variant Classification Sherloc (09022015). Collection method: clinical testing. Allele origin: germline.
Comment: This variant has not been reported in the literature in individuals with TRIM2-related conditions. In summary, the available evidence is currently insufficient to determine the role of this variant in disease. Therefore, it has been classified as a Variant of Uncertain Significance. The current clinical and genetic evidence is not sufficient to establish whether loss-of-function variants in TRIM2 cause disease. This variant is a gross deletion of the genomic region encompassing exon(s) 2-3 of the TRIM2 gene, which includes the initiator codon. The 5' end of this event is unknown as it extends beyond the assayed region for this gene and therefore may encompass additional genes. The 3' boundary is likely confined to intron 3 of the TRIM2 gene. This is expected to result in an absent or disrupted protein product.

NC_000004.12:g.(?_153204511)_(153276150_?)del

Genes: TRIM2 (tripartite motif containing 2; plus strand), TRIM2-AS1 (TRIM2 antisense RNA 1; minus strand), LOC129993256 (ATAC-STARR-seq lymphoblastoid silent region 15756; plus strand), LOC129993257 (ATAC-STARR-seq lymphoblastoid active region 22050; plus strand). Cytogenetic location: 4q31.3.
Variant type: Deletion.
Identifiers: ClinVar variation 474600 (VCV000474600.4).